The following is an entry in ClinVar:

ClinVar aggregate classification (germline): Uncertain significance (1 of 4 stars; one submission).

Conditions:
Kabuki syndrome. Also called: NIIKAWA-KUROKI SYNDROME; Kabuki make-up syndrome. Identifiers: Orphanet 2322, MedGen C0796004, MONDO:0016512.

Submission:

Labcorp Genetics (formerly Invitae), Labcorp
Classification: Uncertain significance for Kabuki syndrome. Last evaluated: 2023-05-01. Review status: criteria provided, single submitter. Criteria: Invitae Variant Classification Sherloc (09022015). Collection method: clinical testing. Allele origin: germline.
Comment: This sequence change replaces glutamine, which is neutral and polar, with proline, which is neutral and non-polar, at codon 3969 of the KMT2D protein (p.Gln3969Pro). In summary, the available evidence is currently insufficient to determine the role of this variant in disease. Therefore, it has been classified as a Variant of Uncertain Significance. Advanced modeling of protein sequence and biophysical properties (such as structural, functional, and spatial information, amino acid conservation, physicochemical variation, residue mobility, and thermodynamic stability) performed at Invitae indicates that this missense variant is not expected to disrupt KMT2D protein function. This variant has not been reported in the literature in individuals affected with KMT2D-related conditions. This variant is not present in population databases (gnomAD no frequency).

NM_003482.4(KMT2D):c.11906A>C (p.Gln3969Pro)

Gene: KMT2D (lysine methyltransferase 2D; minus strand). Cytogenetic location: 12q13.12.
Variant type: single nucleotide variant.
Coding change: c.11906A>C on transcript NM_003482.4 (MANE Select); coding-DNA position 11906, A replaced by C.
Protein change: p.Gln3969Pro; replaces glutamine 3969 with proline.
Molecular consequence: missense variant.
Genome position (GRCh38, 1-based): chr12:49,032,799, T>G on the plus strand (A>C on the coding strand, the complement: KMT2D is on the minus strand). VCF-style: chr12-49032799-T-G. GRCh37 (hg19) VCF-style: chr12-49426582-T-G.
Other names: short protein forms Q3969P.
Identifiers: ClinVar variation 2861236 (VCV002861236.3), dbSNP rs1942993447, ClinGen allele CA384714220.